The following is an entry in ClinVar:

ClinVar aggregate classification (germline): Likely benign. Review status: criteria provided, multiple submitters, no conflicts (2 of 4 stars). 3 submissions from 3 submitters: Likely benign (3). Last evaluated 2026-08-04.

Conditions:
CDH23-related disorder. Also called: CDH23-related condition; CDH23-related disorders.

Allele frequency attached by ClinVar (database versions not stated): TOPMed below 0.00001; gnomAD exomes 0.00001.
gnomAD v4.1: 7 of 1,613,892 alleles (0.00043%); highest among the groups gnomAD compares: Admixed American, 0.0033%; no homozygotes.

Submissions (3):

PreventionGenetics, part of Exact Sciences
Classification: Likely benign for CDH23-related condition. Last evaluated: 2026-08-04. Review status: criteria provided, single submitter. Criteria: ACMG Guidelines, 2015. Collection method: clinical testing. Allele origin: germline.
Comment: This variant is classified as likely benign based on ACMG/AMP sequence variant interpretation guidelines (Richards et al. 2015 PMID: 25741868, with internal and published modifications).

Labcorp Genetics (formerly Invitae), Labcorp
Classification: Likely benign. Last evaluated: 2023-11-18. Review status: criteria provided, single submitter. Criteria: Invitae Variant Classification Sherloc (09022015). Collection method: clinical testing. Allele origin: germline.

Blueprint Genetics
Classification: Likely benign. Last evaluated: 2022-04-08. Review status: criteria provided, single submitter. Criteria: ACMG Guidelines, 2015. Collection method: clinical testing. Allele origin: germline.

NM_022124.6(CDH23):c.8238C>T (p.Leu2746=)

Gene: CDH23 (cadherin related 23; plus strand). Cytogenetic location: 10q22.1.
Variant type: single nucleotide variant.
Coding change: c.8238C>T on transcript NM_022124.6 (MANE Select); coding-DNA position 8238, C replaced by T.
Protein change: p.Leu2746=; no amino-acid change (leucine 2746 retained).
Molecular consequence: synonymous variant.
Genome position (GRCh38, 1-based): chr10:71,807,336, C>T. VCF-style: chr10-71807336-C-T. GRCh37 (hg19) VCF-style: chr10-73567093-C-T.
Other names: c.1518C>T, p.Leu506= (NM_001171933.1, NM_001171934.1); c.8238C>T (NM_022124.5).
Identifiers: ClinVar variation 2093661 (VCV002093661.6), dbSNP rs1295701847, ClinGen allele CA470282243.
Genomic context (GRCh38, chr10:71,807,336, plus strand): 5'-GAAAGGCAGCCCCCAGTACCAGCTGCTGACAGTGCCTGAGCACTCACCACGCGGCACCCT[C>T]GTGGGCAACGTGACAGGCGCAGTGGATGCAGATGAGGGCCCCAACGCGATCGTGTACTAC-3'
Protein context (NP_071407.4, residues 2736-2756): TVPEHSPRGT[Leu2746=]VGNVTGAVDA